The following is an entry in ClinVar:

ClinVar aggregate classification (germline): Uncertain significance (1 of 4 stars; one submission).

Submission:

Labcorp Genetics (formerly Invitae), Labcorp
Classification: Uncertain significance. Last evaluated: 2023-04-18. Review status: criteria provided, single submitter. Criteria: Invitae Variant Classification Sherloc (09022015). Collection method: clinical testing. Allele origin: germline.
Comment: This sequence change replaces arginine, which is basic and polar, with proline, which is neutral and non-polar, at codon 2017 of the SRCAP protein (p.Arg2017Pro). This variant is not present in population databases (gnomAD no frequency). This variant has not been reported in the literature in individuals affected with SRCAP-related conditions. Advanced modeling of protein sequence and biophysical properties (such as structural, functional, and spatial information, amino acid conservation, physicochemical variation, residue mobility, and thermodynamic stability) performed at Invitae indicates that this missense variant is not expected to disrupt SRCAP protein function. In summary, the available evidence is currently insufficient to determine the role of this variant in disease. Therefore, it has been classified as a Variant of Uncertain Significance.

NM_006662.3(SRCAP):c.6050G>C (p.Arg2017Pro)

Gene: SRCAP (Snf2 related CREBBP activator protein; plus strand). Cytogenetic location: 16p11.2.
Variant type: single nucleotide variant.
Coding change: c.6050G>C on transcript NM_006662.3 (MANE Select); coding-DNA position 6050, G replaced by C.
Protein change: p.Arg2017Pro; replaces arginine 2017 with proline.
Molecular consequence: missense variant.
Genome position (GRCh38, 1-based): chr16:30,729,495, G>C. VCF-style: chr16-30729495-G-C. GRCh37 (hg19) VCF-style: chr16-30740816-G-C.
Other names: short protein forms R2017P.
Identifiers: ClinVar variation 2857427 (VCV002857427.3), dbSNP rs754274438, ClinGen allele CA395622301.
Genomic context (GRCh38, chr16:30,729,495, plus strand): 5'-CTTGGCTGGCCCCACGTCAGGCAGCCTTCCAGGAGCAATTGGCCTCTGAGCTCTGGCCCC[G>C]GGCTCGTCCTTTGCACCGTATTGTGTGTAACATGCGCACCCAGTTCCCTGACTTAAGACT-3'
Protein context (NP_006653.2, residues 2007-2027): QEQLASELWP[Arg2017Pro]ARPLHRIVCN